The following is an entry in ClinVar:

ClinVar aggregate classification (germline): Conflicting classifications of pathogenicity. Review status: criteria provided, conflicting classifications (1 of 4 stars). 5 submissions from 5 submitters: Uncertain significance (1); Benign (1); Likely benign (2). 1 of the submissions does not count toward it. Last evaluated 2026-01-25.

Conditions:
CBS-related disorder. Also called: CBS-related condition.
HYPERHOMOCYSTEINEMIA, THROMBOTIC, CBS-RELATED. Identifiers: MedGen C3150344, OMIM 236200.
Classic homocystinuria. Also called: Homocystinuria due to Cystathionine Beta-Synthase Deficiency; Homocystinuria due to CBS deficiency; Cystathionine beta-synthase deficiency; CBS deficiency; HOMOCYSTINURIA WITH OR WITHOUT RESPONSE TO PYRIDOXINE. Identifiers: Orphanet 394, MedGen C0751202, MONDO:0009352, OMIM 236200.
Familial thoracic aortic aneurysm and aortic dissection (TAAD). Also called: Thoracic aortic aneurysms and dissections. Identifiers: Orphanet 91387, MedGen C4707243, MONDO:0019625.

Allele frequency attached by ClinVar (database versions not stated): ESP Exome Variant Server 0.00008; 1000 Genomes Project 0.00020; gnomAD 0.00029; gnomAD exomes 0.00042; ExAC 0.00054.

Submissions (5):

Labcorp Genetics (formerly Invitae), Labcorp
Classification: Benign for HYPERHOMOCYSTEINEMIA, THROMBOTIC, CBS-RELATED. Last evaluated: 2026-01-25. Review status: criteria provided, single submitter. Criteria: Invitae Variant Classification Sherloc (09022015). Collection method: clinical testing. Allele origin: germline.

Blueprint Genetics
Classification: Likely benign. Last evaluated: 2024-11-06. Review status: criteria provided, single submitter. Criteria: ACMG Guidelines, 2015. Collection method: clinical testing. Allele origin: germline.

Ambry Genetics
Classification: Likely benign for Familial thoracic aortic aneurysm and aortic dissection. Last evaluated: 2019-05-26. Review status: criteria provided, single submitter. Criteria: Ambry Variant Classification Scheme 2023. Collection method: clinical testing. Allele origin: germline.

Illumina Laboratory Services, Illumina
Classification: Uncertain significance for Classic homocystinuria. Last evaluated: 2018-01-13. Review status: criteria provided, single submitter. Criteria: ICSL Variant Classification Criteria 13 December 2019. Collection method: clinical testing. Allele origin: germline.

PreventionGenetics, part of Exact Sciences
Classification: Likely benign for CBS-related condition. Last evaluated: 2022-07-30. Review status: no assertion criteria provided. Collection method: clinical testing. Allele origin: germline. Not counted in ClinVar's aggregate classification.
Comment: This variant is classified as likely benign based on ACMG/AMP sequence variant interpretation guidelines (Richards et al. 2015 PMID: 25741868, with internal and published modifications).

NM_000071.3(CBS):c.600G>A (p.Pro200=)

Gene: CBS (cystathionine beta-synthase; minus strand). Cytogenetic location: 21q22.3.
Variant type: single nucleotide variant.
Coding change: c.600G>A on transcript NM_000071.3 (MANE Select); coding-DNA position 600, G replaced by A.
Protein change: p.Pro200=; no amino-acid change (proline 200 retained).
Molecular consequence: synonymous variant.
Genome position (GRCh38, 1-based): chr21:43,065,453, C>T on the plus strand (G>A on the coding strand, the complement: CBS is on the minus strand). VCF-style: chr21-43065453-C-T. GRCh37 (hg19) VCF-style: chr21-44485563-C-T.
Other names: c.600G>A, p.Pro200= (NM_001178008.3, NM_001178009.3, NM_001320298.2); c.285G>A, p.Pro95= (NM_001321072.1).
Identifiers: ClinVar variation 340087 (VCV000340087.21), dbSNP rs181472622, ClinGen allele CA10644740.